The following is an entry in ClinVar:

NM_001013838.3(CARMIL2):c.3757A>G (p.Ser1253Gly)

Gene: CARMIL2 (capping protein regulator and myosin 1 linker 2; plus strand). Cytogenetic location: 16q22.1.
Variant type: single nucleotide variant.
Coding change: c.3757A>G on transcript NM_001013838.3 (MANE Select); coding-DNA position 3757, A replaced by G.
Protein change: p.Ser1253Gly; replaces serine 1253 with glycine.
Molecular consequence: missense variant.
Genome position (GRCh38, 1-based): chr16:67,656,242, A>G. VCF-style: chr16-67656242-A-G. GRCh37 (hg19) VCF-style: chr16-67690145-A-G.
Other names: c.3649A>G, p.Ser1217Gly (NM_001317026.3); short protein forms S1217G, S1253G.
Identifiers: ClinVar variation 3718819 (VCV003718819.2).

ClinVar aggregate classification (germline): Uncertain significance (1 of 4 stars; one submission).

gnomAD v4.1: 16 of 1,613,914 alleles (0.00099%); highest among the groups gnomAD compares: African/African-American, 0.0027%; no homozygotes.

Submission:

Labcorp Genetics (formerly Invitae), Labcorp
Classification: Uncertain significance. Last evaluated: 2025-08-20. Review status: criteria provided, single submitter. Criteria: Invitae Variant Classification Sherloc (09022015). Collection method: clinical testing. Allele origin: germline.
Comment: This sequence change replaces serine, which is neutral and polar, with glycine, which is neutral and non-polar, at codon 1253 of the CARMIL2 protein (p.Ser1253Gly). This variant is present in population databases (no rsID available, gnomAD 0.01%). This variant has not been reported in the literature in individuals affected with CARMIL2-related conditions. ClinVar contains an entry for this variant (Variation ID: 3718819). Invitae Evidence Modeling of protein sequence and biophysical properties (such as structural, functional, and spatial information, amino acid conservation, physicochemical variation, residue mobility, and thermodynamic stability) indicates that this missense variant is not expected to disrupt CARMIL2 protein function with a negative predictive value of 80%. In summary, the available evidence is currently insufficient to determine the role of this variant in disease. Therefore, it has been classified as a Variant of Uncertain Significance.